The following is an entry in ClinVar:

ClinVar aggregate classification (germline): Conflicting classifications of pathogenicity. Review status: criteria provided, conflicting classifications (1 of 4 stars). 3 submissions from 3 submitters: Uncertain significance (2); Likely benign (1). Last evaluated 2024-04-15.

Conditions:
Fraser syndrome 1 (FRASRS1). Also called: CRYPTOPHTHALMOS WITH OTHER MALFORMATIONS. Identifiers: Orphanet 2052, MedGen C4551480, MONDO:0054737, OMIM 219000.

Allele frequency attached by ClinVar (database versions not stated): ESP Exome Variant Server 0.00032; TOPMed 0.00032; gnomAD 0.00034 and 0.00035; gnomAD exomes 0.00048; ExAC 0.00067.
gnomAD v4.1: 729 of 1,613,580 alleles (0.045%); highest among the groups gnomAD compares: Non-Finnish European, 0.057%; 1 homozygote.

Submissions (3):

Fulgent Genetics
Classification: Likely benign for Fraser syndrome 1. Last evaluated: 2024-04-15. Review status: criteria provided, single submitter. Criteria: ACMG Guidelines, 2015. Collection method: clinical testing. Allele origin: germline.

GeneDx
Classification: Uncertain significance. Last evaluated: 2021-07-06. Review status: criteria provided, single submitter. Criteria: GeneDx Variant Classification Process June 2021. Collection method: clinical testing. Allele origin: germline. Affected: yes.
Comment: In silico analysis supports that this missense variant has a deleterious effect on protein structure/function; Observed in an individual with a disorder of lung development in published literature (Karolak et al., 2019); This variant is associated with the following publications: (PMID: 27535533, 30639323)

Illumina Laboratory Services, Illumina
Classification: Uncertain significance for Fraser syndrome 1. Last evaluated: 2018-01-13. Review status: criteria provided, single submitter. Criteria: ICSL Variant Classification Criteria 13 December 2019. Collection method: clinical testing. Allele origin: germline.

NM_025074.7(FRAS1):c.7451C>T (p.Thr2484Met)

Gene: FRAS1 (Fraser extracellular matrix complex subunit 1; plus strand). Cytogenetic location: 4q21.21.
Variant type: single nucleotide variant.
Coding change: c.7451C>T on transcript NM_025074.7 (MANE Select); coding-DNA position 7451, C replaced by T.
Protein change: p.Thr2484Met; replaces threonine 2484 with methionine.
Molecular consequence: missense variant.
Genome position (GRCh38, 1-based): chr4:78,472,259, C>T. VCF-style: chr4-78472259-C-T. GRCh37 (hg19) VCF-style: chr4-79393413-C-T.
Other names: short protein forms T2484M.
Identifiers: ClinVar variation 349753 (VCV000349753.10), dbSNP rs200888184, ClinGen allele CA2978101.
Genomic context (GRCh38, chr4:78,472,259, plus strand): 5'-AGAAGGAACTGCTGACCATGGACCCAGACACCGAGGACGCGCAGCTTGTCTATGAGATAA[C>T]GACGGGCCCTAAGCATGGCTTTGTGGAGAACAAGCTGCAGCCTGGCAGAGCTGCTGCCAC-3'
Protein context (NP_079350.5, residues 2474-2494): TEDAQLVYEI[Thr2484Met]TGPKHGFVEN